The following is an entry in ClinVar:

NM_181426.2(CCDC39):c.1199del (p.Gly400fs)

Gene: CCDC39 (coiled-coil domain 39 molecular ruler complex subunit; minus strand). Cytogenetic location: 3q26.33.
Variant type: Deletion.
Coding change: c.1199del on transcript NM_181426.2 (MANE Select); coding-DNA position 1199, one base deleted (G; older notation c.1199delG).
Protein change: p.Gly400fs; shifts the reading frame from glycine 400.
Molecular consequence: frameshift variant.
Genome position (GRCh38, 1-based): chr3:180,648,328, C deleted on the plus strand (G on the coding strand, the reverse complement: CCDC39 is on the minus strand); the first of 2 consecutive C bases (chr3:180,648,328-180,648,329); deleting either gives the same sequence. VCF-style (leftmost placement, unchanged base first): chr3-180648327-AC-A. GRCh37 (hg19) VCF-style: chr3-180366115-AC-A.
Other names: short protein forms G400fs.
Identifiers: ClinVar variation 2767889 (VCV002767889.3), dbSNP rs2473810084, ClinGen allele CA2697556984.

ClinVar aggregate classification (germline): Pathogenic (1 of 4 stars; one submission).

Conditions:
Primary ciliary dyskinesia. Also called: Ciliary dyskinesia. Identifiers: Orphanet 244, MedGen C0008780, MONDO:0016575, HP:0012265.

Submission:

Labcorp Genetics (formerly Invitae), Labcorp
Classification: Pathogenic for Primary ciliary dyskinesia. Last evaluated: 2023-10-13. Review status: criteria provided, single submitter. Criteria: Invitae Variant Classification Sherloc (09022015). Collection method: clinical testing. Allele origin: germline.
Comment: This sequence change creates a premature translational stop signal (p.Gly400Valfs*15) in the CCDC39 gene. It is expected to result in an absent or disrupted protein product. Loss-of-function variants in CCDC39 are known to be pathogenic (PMID: 21131972, 23255504). This variant is not present in population databases (gnomAD no frequency). This variant has not been reported in the literature in individuals affected with CCDC39-related conditions. For these reasons, this variant has been classified as Pathogenic.

Literature cited by the submitters: PubMed 21131972; PubMed 23255504.